The following is an entry in ClinVar:

NM_000170.3(GLDC):c.2396C>T (p.Thr799Ile)

Gene: GLDC (glycine decarboxylase; minus strand). Cytogenetic location: 9p24.1.
Variant type: single nucleotide variant.
Coding change: c.2396C>T on transcript NM_000170.3 (MANE Select); coding-DNA position 2396, C replaced by T.
Protein change: p.Thr799Ile; replaces threonine 799 with isoleucine.
Molecular consequence: missense variant.
Genome position (GRCh38, 1-based): chr9:6,553,429, G>A on the plus strand (C>T on the coding strand, the complement: GLDC is on the minus strand). VCF-style: chr9-6553429-G-A. GRCh37 (hg19) VCF-style: chr9-6553429-G-A.
Other names: short protein forms T799I.
Identifiers: ClinVar variation 1357595 (VCV001357595.8), dbSNP rs772015252, ClinGen allele CA372878478.

ClinVar aggregate classification (germline): Uncertain significance (1 of 4 stars; one submission).

Conditions:
Glycine encephalopathy. Also called: Nonketotic hyperglycinemia; Non-ketotic hyperglycinemia. Identifiers: Orphanet 407, MedGen C0751748, MONDO:0011612, HP:0008288.

Submission:

Labcorp Genetics (formerly Invitae), Labcorp
Classification: Uncertain significance for Glycine encephalopathy. Last evaluated: 2021-05-31. Review status: criteria provided, single submitter. Criteria: Invitae Variant Classification Sherloc (09022015). Collection method: clinical testing. Allele origin: germline.
Comment: This sequence change replaces threonine with isoleucine at codon 799 of the GLDC protein (p.Thr799Ile). The threonine residue is moderately conserved and there is a moderate physicochemical difference between threonine and isoleucine. In summary, the available evidence is currently insufficient to determine the role of this variant in disease. Therefore, it has been classified as a Variant of Uncertain Significance. Advanced modeling of protein sequence and biophysical properties (such as structural, functional, and spatial information, amino acid conservation, physicochemical variation, residue mobility, and thermodynamic stability) performed at Invitae indicates that this missense variant is not expected to disrupt GLDC protein function. This variant has not been reported in the literature in individuals with GLDC-related conditions. This variant is not present in population databases (ExAC no frequency).